The following is an entry in ClinVar:

NM_199069.2(NDUFAF3):c.248C>T (p.Pro83Leu)

Gene: NDUFAF3 (NADH:ubiquinone oxidoreductase complex assembly factor 3; plus strand). Cytogenetic location: 3p21.31.
Variant type: single nucleotide variant.
Coding change: c.248C>T on transcript NM_199069.2 (MANE Select); coding-DNA position 248, C replaced by T.
Protein change: p.Pro83Leu; replaces proline 83 with leucine.
Molecular consequence: missense variant.
Genome position (GRCh38, 1-based): chr3:49,022,516, C>T. VCF-style: chr3-49022516-C-T. GRCh37 (hg19) VCF-style: chr3-49059949-C-T.
Other names: c.77C>T, p.Pro26Leu (NM_199070.2, NM_199073.2, NM_199074.2); short protein forms P26L, P83L.
Identifiers: ClinVar variation 1473689 (VCV001473689.6), dbSNP rs1375889507, ClinGen allele CA352728616.

ClinVar aggregate classification (germline): Uncertain significance (1 of 4 stars; one submission).

Allele frequency attached by ClinVar (database versions not stated): gnomAD exomes below 0.00001; TOPMed below 0.00001.
gnomAD v4.1: 1 of 1,613,268 alleles (0.000062%); highest among the groups gnomAD compares: Non-Finnish European, 0.000085%; no homozygotes.

Submission:

Labcorp Genetics (formerly Invitae), Labcorp
Classification: Uncertain significance. Last evaluated: 2022-06-13. Review status: criteria provided, single submitter. Criteria: Invitae Variant Classification Sherloc (09022015). Collection method: clinical testing. Allele origin: germline.
Comment: In summary, the available evidence is currently insufficient to determine the role of this variant in disease. Therefore, it has been classified as a Variant of Uncertain Significance. Algorithms developed to predict the effect of missense changes on protein structure and function (SIFT, PolyPhen-2, Align-GVGD) all suggest that this variant is likely to be disruptive. This variant has not been reported in the literature in individuals affected with NDUFAF3-related conditions. This variant is not present in population databases (gnomAD no frequency). This sequence change replaces proline, which is neutral and non-polar, with leucine, which is neutral and non-polar, at codon 83 of the NDUFAF3 protein (p.Pro83Leu).